The following continues an entry in ClinVar:

NM_004004.6(GJB2):c.223C>T (p.Arg75Trp)

Gene: GJB2. ClinVar aggregate classification (germline): Pathogenic. Pathogenic (9).

Submissions 8 to 12 of 12:

ARUP Laboratories, Molecular Genetics and Genomics, ARUP Laboratories
Classification: Pathogenic. Last evaluated: 2019-11-07. Review status: criteria provided, single submitter. Criteria: ARUP Molecular Germline Variant Investigation Process. Collection method: clinical testing. Allele origin: germline.
Comment: The GJB2 c.223C>T; p.Arg75Trp variant (rs104894402) is reported in the literature in multiple individuals and families affected with either syndromic or nonsyndromic autosomal dominant hearing loss (ADHL), including some individuals with palmoplantar keratoderma (Lee 2010, Pang 2014, Richard 1998, Weegerink 2011, Yuan 2009). This variant is reported in ClinVar (Variation ID: 17011), and is absent from general population databases (Exome Variant Server, Genome Aggregation Database), indicating it is not a common polymorphism. Additionally, another variant at this codon (c.224G>A; p.Arg75Gln) has been reported in individuals with ADHL and is considered pathogenic (Pang 2014). The arginine at codon 75 is highly conserved, and computational analyses (SIFT, PolyPhen-2) predict that this variant is deleterious. Functional analyses of the variant protein show that arginine 75 is critical to the formation of gap junctions, and variants at this codon have dominant negative effects (Deng 2006, Marziano 2003, Richard 1998, Zhang 2011). Based on available information, the p.Arg75Trp variant is considered to be pathogenic. References: Deng Y et al. Mutations of connexin 26 at position 75 and dominant deafness: essential role of arginine for the generation of functional gap-junctional channels. Hear Res. 2006 Oct;220(1-2):87-94. Lee JY et al. Hereditary palmoplantar keratoderma and deafness resulting from genetic mutation of Connexin 26. J Korean Med Sci. 2010 Oct;25(10):1539-42. Marziano NK et al. Mutations in the gene for connexin 26 (GJB2) that cause hearing loss have a dominant negative effect on connexin 30. Hum Mol Genet. 2003 Apr 15;12(8):805-12. Pang X et al. Characterization of spectrum, de novo rate and genotype-phenotype correlation of dominant GJB2 mutations in Chinese hans. PLoS One. 2014 Jun 19;9(6):e100483. Richard G et al. Functional defects of Cx26 resulting from a heterozygous missense mutation in a family with dominant deaf-mutism and palmoplantar keratoderma. Hum Genet. 1998 Oct;103(4):393-9. Weegerink NJ Phenotypes of two Dutch DFNA3 families with mutations in GJB2. Ann Otol Rhinol Laryngol. 2011 Mar;120(3):191-7. Yuan Y et al. A de novo GJB2 (connexin 26) mutation, R75W, in a Chinese pedigree with hearing loss and palmoplantar keratoderma. Am J Med Genet A. 2009 Feb 15;149A(4):689-92. Zhang J et al. Dominant Cx26 mutants associated with hearing loss have dominant-negative effects on wild type Cx26. Mol Cell Neurosci. 2011 Jun;47(2):71-8.

Laboratory for Molecular Medicine, Mass General Brigham Personalized Medicine
Classification: Pathogenic for Rare genetic deafness. Last evaluated: 2014-09-29. Review status: criteria provided, single submitter. Criteria: LMM Criteria. Collection method: clinical testing. Allele origin: germline. Inheritance: Autosomal dominant inheritance. Observed: 2 variant alleles.
Comment: The p.Arg75Trp variant in GJB2 has been identified as the only GJB2 variant in a t least 11 individuals with hearing loss and was not identified in 120 Indian co ntrol chromosomes and 802 Chinese control chromosomes (Richard 1998, Putcha 2007 , Mani 2009, Yuan 2009, Lee 2010, Weegerink 2011, Pang 2014 and LMM unpublished data). Most reported individuals had severe to profound hearing loss that was ei ther congenital or progressive in infancy and some individuals also had palmopla ntar keratoderma. This variant occurred de novo in 3 individuals and was identif ied in three affected parents, which supports that this variant is inherited in a dominant manner (Richard 1998, Yuan 2009, Lee 2010, Weegerink 2011, Pang 2014) . This variant has not been identified in large population studies. Furthermore, Arginine at position 75 is highly conserved across species and other analogous connexin proteins (Deng, 2006). The functional assay demonstrated that the chan ge to a Tryptophan (Trp) at position 75 has a dominant negative affect on the pr otein and disrupts the function of the gap junction (Richard 1998, Maziano 2003, Deng 2006, Zhang 2011) and is important for the postnatal development of the or gan of Corti and normal hearing (Inoshita 2008, Inoshita 2014). In summary, this variant meets our criteria to be classified as pathogenic (s.org/LMM).

OMIM
Classification: Pathogenic for DEAFNESS, AUTOSOMAL DOMINANT 3A. Last evaluated: 2003-05-01. Review status: no assertion criteria provided. Collection method: literature only. Allele origin: germline. Not counted in ClinVar's aggregate classification.

GeneReviews
No classification provided. Condition: Autosomal dominant nonsyndromic hearing loss 3A. Review status: no classification provided. Collection method: literature only. Allele origin: germline. Not counted in ClinVar's aggregate classification.

University of Washington Center for Mendelian Genomics, University of Washington
Classification: Likely pathogenic for non-syndromic autosomal recessive hearing loss. Review status: no assertion criteria provided. Collection method: research. Allele origin: inherited. Affected: yes. Not counted in ClinVar's aggregate classification.

Literature cited by the submitters: PubMed 21510145 (cited by 3 submitters); PubMed 24945352 (cited by 5 submitters); PubMed 9856479 (cited by 6 submitters); PubMed 12372058 (cited by Labcorp Genetics (formerly Invitae), Labcorp); PubMed 21040787 (cited by Labcorp Genetics (formerly Invitae), Labcorp and Laboratory for Molecular Medicine, Mass General Brigham Personalized Medicine); PubMed 15996214 (cited by Variantyx, Inc.); PubMed 24387126 (cited by Variantyx, Inc. and Laboratory for Molecular Medicine, Mass General Brigham Personalized Medicine); PubMed 16059934 (cited by Variantyx, Inc.); PubMed 11354642 (cited by 3 submitters); PubMed 20890442 (cited by 3 submitters); PubMed 18924167 (cited by 3 submitters); PubMed 17666888 (cited by 3 submitters); PubMed 10980526 (cited by INGEBI, INGEBI / CONICET); PubMed 18941476 (cited by INGEBI, INGEBI / CONICET and Laboratory for Molecular Medicine, Mass General Brigham Personalized Medicine); PubMed 12700168 (cited by INGEBI, INGEBI / CONICET and OMIM); PubMed 18793701 (cited by INGEBI, INGEBI / CONICET and Laboratory for Molecular Medicine, Mass General Brigham Personalized Medicine); PubMed 16945493 (cited by Laboratory for Molecular Medicine, Mass General Brigham Personalized Medicine); PubMed 17462767 (cited by Laboratory for Molecular Medicine, Mass General Brigham Personalized Medicine); PubMed 12668604 (cited by Laboratory for Molecular Medicine, Mass General Brigham Personalized Medicine); PubMed 20096356 (cited by Laboratory for Molecular Medicine, Mass General Brigham Personalized Medicine); PubMed 9139825 (cited by OMIM); NCBI Bookshelf NBK1536 (cited by GeneReviews); PubMed 30303587 (cited by University of Washington Center for Mendelian Genomics, University of Washington).